The following is an entry in ClinVar:

ClinVar aggregate classification (germline): Uncertain significance (1 of 4 stars; one submission).

Submission:

Labcorp Genetics (formerly Invitae), Labcorp
Classification: Uncertain significance. Last evaluated: 2025-07-31. Review status: criteria provided, single submitter. Criteria: Invitae Variant Classification Sherloc (09022015). Collection method: clinical testing. Allele origin: germline.
Comment: This sequence change replaces glycine, which is neutral and non-polar, with serine, which is neutral and polar, at codon 401 of the RIMS1 protein (p.Gly401Ser). This variant is not present in population databases (gnomAD no frequency). This variant has not been reported in the literature in individuals affected with RIMS1-related conditions. An algorithm developed to predict the effect of missense changes on protein structure and function (PolyPhen-2) suggests that this variant is likely to be tolerated. In summary, the available evidence is currently insufficient to determine the role of this variant in disease. Therefore, it has been classified as a Variant of Uncertain Significance.

NM_014989.7(RIMS1):c.1201G>A (p.Gly401Ser)

Gene: RIMS1 (regulating synaptic membrane exocytosis 1; plus strand). Cytogenetic location: 6q13.
Variant type: single nucleotide variant.
Coding change: c.1201G>A on transcript NM_014989.7 (MANE Select); coding-DNA position 1201, G replaced by A.
Protein change: p.Gly401Ser; replaces glycine 401 with serine.
Molecular consequence: missense variant.
Genome position (GRCh38, 1-based): chr6:72,182,672, G>A. VCF-style: chr6-72182672-G-A. GRCh37 (hg19) VCF-style: chr6-72892375-G-A.
Other names: short protein forms G401S.
Identifiers: ClinVar variation 4807056 (VCV004807056.1).